The following is an entry in ClinVar:

ClinVar aggregate classification (germline): Uncertain significance (1 of 4 stars; one submission).

Conditions:
EP300-related disorder. Also called: EP300-related condition; EP300-related disorders.

gnomAD v4.1: 9 of 1,614,180 alleles (0.00056%); highest among the groups gnomAD compares: Non-Finnish European, 0.00076%; no homozygotes.

Submission:

PreventionGenetics, part of Exact Sciences
Classification: Uncertain significance for EP300-related condition. Last evaluated: 2024-11-27. Review status: criteria provided, single submitter. Criteria: ACMG Guidelines, 2015. Collection method: clinical testing. Allele origin: germline.
Comment: The EP300 c.6949C>T variant is predicted to result in the amino acid substitution p.Arg2317Trp. To our knowledge, this variant has not been reported in the literature or in a large population database (gnomAD), indicating this variant is rare. At this time, the clinical significance of this variant is uncertain due to the absence of conclusive functional and genetic evidence.

NM_001429.4(EP300):c.6949C>T (p.Arg2317Trp)

Gene: EP300 (EP300 lysine acetyltransferase; plus strand). Cytogenetic location: 22q13.2.
Variant type: single nucleotide variant.
Coding change: c.6949C>T on transcript NM_001429.4 (MANE Select); coding-DNA position 6949, C replaced by T.
Protein change: p.Arg2317Trp; replaces arginine 2317 with tryptophan.
Molecular consequence: missense variant.
Genome position (GRCh38, 1-based): chr22:41,178,660, C>T. VCF-style: chr22-41178660-C-T. GRCh37 (hg19) VCF-style: chr22-41574664-C-T.
Other names: c.6871C>T, p.Arg2291Trp (NM_001362843.2); short protein forms R2317W, R2291W.
Identifiers: ClinVar variation 4986136 (VCV004986136.1).